The following is an entry in ClinVar:

ClinVar aggregate classification (germline): Likely benign. Review status: criteria provided, multiple submitters, no conflicts (2 of 4 stars). 2 submissions from 2 submitters: Likely benign (2). Last evaluated 2025-05-21.

Conditions:
Aniridia 1 (AN1). Identifiers: Orphanet 250923, MedGen C0344542, MONDO:0024507, OMIM 106210.
Irido-corneo-trabecular dysgenesis (ASGD5). Also called: ANTERIOR SEGMENT DYSGENESIS 5. Identifiers: Orphanet 708, MedGen C0344559, MONDO:0011414, OMIM 604229, HP:0000659.

Allele frequency attached by ClinVar (database versions not stated): gnomAD 0.00008 and 0.00006; gnomAD exomes 0.00001 and 0.00003; ExAC 0.00003; TOPMed 0.00005.
gnomAD v4.1: 21 of 1,613,488 alleles (0.0013%); highest among the groups gnomAD compares: African/African-American, 0.017%; no homozygotes.

Submissions (2):

Labcorp Genetics (formerly Invitae), Labcorp
Classification: Likely benign for Aniridia 1; Irido-corneo-trabecular dysgenesis. Last evaluated: 2025-05-21. Review status: criteria provided, single submitter. Criteria: Invitae Variant Classification Sherloc (09022015). Collection method: clinical testing. Allele origin: germline.

GeneDx
Classification: Likely benign. Last evaluated: 2018-03-26. Review status: criteria provided, single submitter. Criteria: GeneDx Variant Classification (06012015). Collection method: clinical testing. Allele origin: germline. Affected: yes.
Comment: This variant is considered likely benign or benign based on one or more of the following criteria: it is a conservative change, it occurs at a poorly conserved position in the protein, it is predicted to be benign by multiple in silico algorithms, and/or has population frequency not consistent with disease.

NM_001368894.2(PAX6):c.11-12C>G

Gene: PAX6 (paired box 6; minus strand). Cytogenetic location: 11p13.
Variant type: single nucleotide variant.
Coding change: c.11-12C>G on transcript NM_001368894.2 (MANE Select); 12 bases into the intron before coding-DNA position 11, C replaced by G.
Molecular consequence: intron variant. On other transcripts: 5 prime UTR variant (5).
Genome position (GRCh38, 1-based): chr11:31,802,846, G>C on the plus strand (C>G on the coding strand, the complement: PAX6 is on the minus strand). VCF-style: chr11-31802846-G-C. GRCh37 (hg19) VCF-style: chr11-31824394-G-C.
Other names: c.-783C>G (NM_001310160.2); c.-741C>G (NM_001368902.2); c.-452C>G (NM_001368903.2, NM_001368929.2); c.-410C>G (NM_001368907.2); c.11-12C>G (NM_001127612.3, NM_001368921.2, NM_001368923.2 and 30 more transcripts); c.254-12C>G (NM_001368910.2); c.-267-1070C>G (NM_001368909.2, NM_001368904.2); c.14-12C>G (NM_001368911.2); and 3 more.
Identifiers: ClinVar variation 682339 (VCV000682339.8), dbSNP rs766046559, ClinGen allele CA5933981.